The following is an entry in ClinVar:

NM_000138.5(FBN1):c.6918C>G (p.Arg2306=)

Gene: FBN1 (fibrillin 1; minus strand). Cytogenetic location: 15q21.1.
Variant type: single nucleotide variant.
Coding change: c.6918C>G on transcript NM_000138.5 (MANE Select); coding-DNA position 6918, C replaced by G.
Protein change: p.Arg2306=; no amino-acid change (arginine 2306 retained).
Molecular consequence: synonymous variant.
Genome position (GRCh38, 1-based): chr15:48,428,425, G>C on the plus strand (C>G on the coding strand, the complement: FBN1 is on the minus strand). VCF-style: chr15-48428425-G-C. GRCh37 (hg19) VCF-style: chr15-48720622-G-C.
Other names: c.6918C>G, p.Arg2306= (NM_001406716.1).
Identifiers: ClinVar variation 3386764 (VCV003386764.1).

ClinVar aggregate classification (germline): Likely benign (1 of 4 stars; one submission).

Conditions:
Marfan syndrome (MFS). Also called: MARFAN SYNDROME, TYPE I; Marfan syndrome type 1; Marfan's syndrome; FBN1-Related Marfan Syndrome; Marfan syndrome, classic. Identifiers: Orphanet 284963, Orphanet 558, MedGen C0024796, MONDO:0007947, OMIM 154700.

Submission:

All of Us Research Program, National Institutes of Health
Classification: Likely benign for Marfan syndrome. Last evaluated: 2024-04-25. Review status: criteria provided, single submitter. Criteria: ACMG Guidelines, 2015. Collection method: clinical testing. Allele origin: germline. Inheritance: Autosomal dominant inheritance. Observed: 1 variant allele, 1 heterozygote.
Comment: This study involves interpretation of variants in research participants for the purpose of population health screening. Participant phenotype was not available at the time of variant classification. Additional details can be found in publication PMID: 35346344, PMCID: PMC8962531